The following is an entry in ClinVar:

NM_000090.4(COL3A1):c.2420G>A (p.Gly807Glu)

Genes: COL3A1 (collagen type III alpha 1 chain; plus strand), LOC126806446 (P300/CBP strongly-dependent group 1 enhancer GRCh37_chr2:189866210-189867409; plus strand). Cytogenetic location: 2q32.2.
Variant type: single nucleotide variant.
Coding change: c.2420G>A on transcript NM_000090.4 (MANE Select); coding-DNA position 2420, G replaced by A.
Protein change: p.Gly807Glu; replaces glycine 807 with glutamic acid.
Molecular consequence: missense variant.
Genome position (GRCh38, 1-based): chr2:189,002,326, G>A. VCF-style: chr2-189002326-G-A. GRCh37 (hg19) VCF-style: chr2-189867052-G-A.
Other names: short protein forms G807E.
Identifiers: ClinVar variation 4800328 (VCV004800328.1).

ClinVar aggregate classification (germline): Likely pathogenic (1 of 4 stars; one submission).

Conditions:
Ehlers-Danlos syndrome, type 4 (EDSVASC). Also called: Ehlers-Danlos syndrome vascular type; Ehlers Danlos syndrome, ecchymotic type; Ehlers Danlos syndrome, arterial type; Ehlers Danlos syndrome, Sack-Barabas type; Ehlers-Danlos Syndrome Type IV. Identifiers: Orphanet 286, MedGen C0268338, MONDO:0017314, OMIM 130050.

Submission:

Labcorp Genetics (formerly Invitae), Labcorp
Classification: Likely pathogenic for Ehlers-Danlos syndrome, type 4. Last evaluated: 2025-04-14. Review status: criteria provided, single submitter. Criteria: Invitae Variant Classification Sherloc (09022015). Collection method: clinical testing. Allele origin: germline.
Comment: This sequence change replaces glycine, which is neutral and non-polar, with glutamic acid, which is acidic and polar, at codon 807 of the COL3A1 protein (p.Gly807Glu). This variant is not present in population databases (gnomAD no frequency). This variant has not been reported in the literature in individuals affected with COL3A1-related conditions. Invitae Evidence Modeling of protein sequence and biophysical properties (such as structural, functional, and spatial information, amino acid conservation, physicochemical variation, residue mobility, and thermodynamic stability) indicates that this missense variant is expected to disrupt COL3A1 protein function with a positive predictive value of 95%. This variant disrupts the triple helix domain of COL3A1. Glycine residues within the Gly-Xaa-Yaa repeats of the triple helix domain are required for the structure and stability of fibrillar collagens (PMID: 7695699, 8218237, 19344236). In COL3A1, variants that affect these glycine residues are significantly enriched in individuals with disease (PMID: 24922459, 25758994) compared to the general population (ExAC). In summary, the currently available evidence indicates that the variant is pathogenic, but additional data are needed to prove that conclusively. Therefore, this variant has been classified as Likely Pathogenic.

Literature cited by the submitters: PubMed 7695699; PubMed 8218237; PubMed 19344236; PubMed 24922459; PubMed 25758994.